The following is an entry in ClinVar:

NM_001142800.2(EYS):c.2513C>A (p.Pro838Gln)

Gene: EYS (eyes shut homolog; minus strand). Cytogenetic location: 6q12.
Variant type: single nucleotide variant.
Coding change: c.2513C>A on transcript NM_001142800.2 (MANE Select); coding-DNA position 2513, C replaced by A.
Protein change: p.Pro838Gln; replaces proline 838 with glutamine.
Molecular consequence: missense variant.
Genome position (GRCh38, 1-based): chr6:64,912,612, G>T on the plus strand (C>A on the coding strand, the complement: EYS is on the minus strand). VCF-style: chr6-64912612-G-T. GRCh37 (hg19) VCF-style: chr6-65622505-G-T.
Other names: c.2513C>A, p.Pro838Gln (NM_001292009.2); short protein forms P838Q.
Identifiers: ClinVar variation 1988971 (VCV001988971.1), dbSNP rs867716723, ClinGen allele CA364786348.

ClinVar aggregate classification (germline): Uncertain significance (1 of 4 stars; one submission).

Submission:

Labcorp Genetics (formerly Invitae), Labcorp
Classification: Uncertain significance. Last evaluated: 2021-09-24. Review status: criteria provided, single submitter. Criteria: Invitae Variant Classification Sherloc (09022015). Collection method: clinical testing. Allele origin: germline.
Comment: This sequence change replaces proline with glutamine at codon 838 of the EYS protein (p.Pro838Gln). The proline residue is highly conserved and there is a moderate physicochemical difference between proline and glutamine. This variant is not present in population databases (ExAC no frequency). This variant has not been reported in the literature in individuals with EYS-related conditions. Algorithms developed to predict the effect of missense changes on protein structure and function are either unavailable or do not agree on the potential impact of this missense change (SIFT: "Tolerated"; PolyPhen-2: "Probably Damaging"; Align-GVGD: "Class C0"). In summary, the available evidence is currently insufficient to determine the role of this variant in disease. Therefore, it has been classified as a Variant of Uncertain Significance.